The following is an entry in ClinVar:

ClinVar aggregate classification (germline): Uncertain significance. Review status: criteria provided, multiple submitters, no conflicts (2 of 4 stars). 4 submissions from 4 submitters: Uncertain significance (4). Last evaluated 2025-04-03.

Conditions:
Cardiovascular phenotype. Identifiers: MedGen CN230736.
Hereditary cancer-predisposing syndrome. Also called: Neoplastic Syndromes, Hereditary; Tumor predisposition; Hereditary Cancer Syndrome; Hereditary neoplastic syndrome. Identifiers: Orphanet 140162, MedGen C0027672, MeSH D009386, MONDO:0015356.
LZTR1-related schwannomatosis. Also called: Schwannomatosis-2, susceptibility to; Schwannomatosis 2. Identifiers: Orphanet 93921, MedGen C3810283, MONDO:0014299, OMIM 615670.
Noonan syndrome 2 (NS2). Identifiers: Orphanet 648, MedGen C1854469, MONDO:0011531, OMIM 605275.
Noonan syndrome 10 (NS10). Identifiers: Orphanet 648, MedGen C4225280, MONDO:0014693, OMIM 616564.

Allele frequency attached by ClinVar (database versions not stated): gnomAD exomes below 0.00001; gnomAD 0.00001.

Submissions (4):

Labcorp Genetics (formerly Invitae), Labcorp
Classification: Uncertain significance. Last evaluated: 2025-04-03. Review status: criteria provided, single submitter. Criteria: Invitae Variant Classification Sherloc (09022015). Collection method: clinical testing. Allele origin: germline.
Comment: This sequence change replaces leucine, which is neutral and non-polar, with proline, which is neutral and non-polar, at codon 818 of the LZTR1 protein (p.Leu818Pro). This variant is present in population databases (no rsID available, gnomAD 0.06%). This variant has not been reported in the literature in individuals affected with LZTR1-related conditions. ClinVar contains an entry for this variant (Variation ID: 1712731). Invitae Evidence Modeling of protein sequence and biophysical properties (such as structural, functional, and spatial information, amino acid conservation, physicochemical variation, residue mobility, and thermodynamic stability) indicates that this missense variant is not expected to disrupt LZTR1 protein function with a negative predictive value of 80%. In summary, the available evidence is currently insufficient to determine the role of this variant in disease. Therefore, it has been classified as a Variant of Uncertain Significance.

Ambry Genetics
Classification: Uncertain significance for Cardiovascular phenotype; Hereditary cancer-predisposing syndrome. Last evaluated: 2024-12-09. Review status: criteria provided, single submitter. Criteria: Ambry Variant Classification Scheme 2023. Collection method: clinical testing. Allele origin: germline.
Comment: The p.L818P variant (also known as c.2453T>C), located in coding exon 21 of the LZTR1 gene, results from a T to C substitution at nucleotide position 2453. The leucine at codon 818 is replaced by proline, an amino acid with similar properties. This amino acid position is well conserved in available vertebrate species. In addition, the in silico prediction for this alteration is inconclusive. Since supporting evidence is limited at this time, the clinical significance of this alteration remains unclear.

Fulgent Genetics
Classification: Uncertain significance for Noonan syndrome 2; LZTR1-related schwannomatosis; Noonan syndrome 10. Last evaluated: 2023-12-29. Review status: criteria provided, single submitter. Criteria: ACMG Guidelines, 2015. Collection method: clinical testing. Allele origin: germline.

GeneDx
Classification: Uncertain significance. Last evaluated: 2022-04-28. Review status: criteria provided, single submitter. Criteria: GeneDx Variant Classification Process June 2021. Collection method: clinical testing. Allele origin: germline. Affected: yes.
Comment: Not observed at significant frequency in large population cohorts (gnomAD); In silico analysis supports that this missense variant has a deleterious effect on protein structure/function; Has not been previously published as pathogenic or benign to our knowledge

NM_006767.4(LZTR1):c.2453T>C (p.Leu818Pro)

Gene: LZTR1 (leucine zipper like post translational regulator 1; plus strand). Cytogenetic location: 22q11.21.
Variant type: single nucleotide variant.
Coding change: c.2453T>C on transcript NM_006767.4 (MANE Select); coding-DNA position 2453, T replaced by C.
Protein change: p.Leu818Pro; replaces leucine 818 with proline.
Molecular consequence: missense variant.
Genome position (GRCh38, 1-based): chr22:20,997,278, T>C. VCF-style: chr22-20997278-T-C. GRCh37 (hg19) VCF-style: chr22-21351567-T-C.
Other names: short protein forms L818P.
Identifiers: ClinVar variation 1712731 (VCV001712731.8), dbSNP rs1064796286, ClinGen allele CA410781685.